The following is an entry in ClinVar:

ClinVar aggregate classification (germline): Uncertain significance (1 of 4 stars; one submission).

Submission:

GeneDx
Classification: Uncertain significance. Last evaluated: 2022-07-20. Review status: criteria provided, single submitter. Criteria: GeneDx Variant Classification Process June 2021. Collection method: clinical testing. Allele origin: germline. Affected: yes.
Comment: Not observed at significant frequency in large population cohorts (gnomAD); In silico analysis supports that this missense variant has a deleterious effect on protein structure/function; Has not been previously published as pathogenic or benign to our knowledge

NM_001368397.1(FRMPD4):c.1966G>A (p.Gly656Arg)

Gene: FRMPD4 (FERM and PDZ domain containing 4; plus strand). Cytogenetic location: Xp22.2.
Variant type: single nucleotide variant.
Coding change: c.1966G>A on transcript NM_001368397.1 (MANE Select); coding-DNA position 1966, G replaced by A.
Protein change: p.Gly656Arg; replaces glycine 656 with arginine.
Molecular consequence: missense variant.
Genome position (GRCh38, 1-based): chrX:12,716,425, G>A. VCF-style: chrX-12716425-G-A. GRCh37 (hg19) VCF-style: chrX-12734544-G-A.
Other names: c.2077G>A, p.Gly693Arg (NM_001368395.3, NM_001368398.3); c.1972G>A, p.Gly658Arg (NM_001368396.3); c.1957G>A, p.Gly653Arg (NM_001368399.3); c.1846G>A, p.Gly616Arg (NM_001368400.3); c.1942G>A, p.Gly648Arg (NM_001368401.1, NM_001368402.3); c.1966G>A, p.Gly656Arg (NM_014728.3); short protein forms G693R, G653R, G658R, G616R, G648R, G656R.
Identifiers: ClinVar variation 2136060 (VCV002136060.1), dbSNP rs2519848402, ClinGen allele CA412309818.